The following is an entry in ClinVar:

ClinVar aggregate classification (germline): Uncertain significance (1 of 4 stars; one submission).

gnomAD v4.1: 1 of 1,168,931 alleles (0.000086%); highest among the groups gnomAD compares: Non-Finnish European, 0.00012%; no homozygotes.

Submission:

Labcorp Genetics (formerly Invitae), Labcorp
Classification: Uncertain significance. Last evaluated: 2024-03-09. Review status: criteria provided, single submitter. Criteria: Invitae Variant Classification Sherloc (09022015). Collection method: clinical testing. Allele origin: germline.
Comment: This sequence change falls in intron 38 of the COL4A5 gene. It does not directly change the encoded amino acid sequence of the COL4A5 protein. It affects a nucleotide within the consensus splice site. This variant is not present in population databases (gnomAD no frequency). This variant has not been reported in the literature in individuals affected with COL4A5-related conditions. Variants that disrupt the consensus splice site are a relatively common cause of aberrant splicing (PMID: 17576681, 9536098). Algorithms developed to predict the effect of sequence changes on RNA splicing suggest that this variant may disrupt the consensus splice site. In summary, the available evidence is currently insufficient to determine the role of this variant in disease. Therefore, it has been classified as a Variant of Uncertain Significance.

Literature cited by the submitters: PubMed 17576681; PubMed 9536098.

NM_033380.3(COL4A5):c.3454+5G>A

Gene: COL4A5 (collagen type IV alpha 5 chain; plus strand). Cytogenetic location: Xq22.3.
Variant type: single nucleotide variant.
Coding change: c.3454+5G>A on transcript NM_033380.3 (MANE Select); 5 bases into the intron after coding-DNA position 3454, G replaced by A.
Molecular consequence: intron variant.
Genome position (GRCh38, 1-based): chrX:108,665,592, G>A. VCF-style: chrX-108665592-G-A. GRCh37 (hg19) VCF-style: chrX-107908822-G-A.
Other names: c.3454+5G>A (NM_000495.5).
Identifiers: ClinVar variation 3616001 (VCV003616001.2).